The following is an entry in ClinVar:

NM_000277.3(PAH):c.970-2A>C

Gene: PAH (phenylalanine hydroxylase; minus strand). Cytogenetic location: 12q23.2.
Variant type: single nucleotide variant.
Coding change: c.970-2A>C on transcript NM_000277.3 (MANE Select); the canonical splice acceptor site of the intron before coding-DNA position 970, A replaced by C.
Molecular consequence: splice acceptor variant.
Genome position (GRCh38, 1-based): chr12:102,844,433, T>G on the plus strand (A>C on the coding strand, the complement: PAH is on the minus strand). VCF-style: chr12-102844433-T-G. GRCh37 (hg19) VCF-style: chr12-103238211-T-G.
Other names: c.970-2A>C (NM_001354304.2).
Identifiers: ClinVar variation 102918 (VCV000102918.4), dbSNP rs62517199, ClinGen allele CA229882.

ClinVar aggregate classification (germline): Likely pathogenic. Review status: reviewed by expert panel (3 of 4 stars). 3 submissions from 3 submitters: Likely pathogenic (1). 2 of the submissions do not count toward it. Last evaluated 2020-08-27.

Conditions:
Phenylketonuria (PKU). Also called: Phenylketonuria (PKU); FOLLING DISEASE; OLIGOPHRENIA PHENYLPYRUVICA; Phenylketonurias. Identifiers: Orphanet 716, MedGen C0031485, MONDO:0009861, OMIM 261600. Disease mechanism: loss of function.

Submissions (3):

ClinGen PAH Variant Curation Expert Panel
Classification: Likely pathogenic for Phenylketonuria. Last evaluated: 2020-08-27. Review status: reviewed by expert panel. Criteria: ClinGen PAH ACMG Specifications v1. Collection method: curation. Allele origin: germline. Inheritance: Autosomal recessive inheritance.
Comment: The c.970-2A>C variant in PAH is a canonical splice-site variant predicted to lead to skipping of exon 10 (PVS1_Strong). It is absent from ethnically diverse control databases, including gnomAD/ExAC, 1000 Genomes, and ESP (PM2). It is reported in ClinVar (variant ID 102918), without a classification. Classification: Likely Pathogenic Supporting Criteria: PVS1_Strong; PM2; PM3_Supporting; PP4

Labcorp Genetics (formerly Invitae), Labcorp
Classification: Pathogenic for Phenylketonuria. Last evaluated: 2024-11-27. Review status: criteria provided, single submitter. Criteria: Invitae Variant Classification Sherloc (09022015). Collection method: clinical testing. Allele origin: germline. Not counted in ClinVar's aggregate classification.
Comment: This sequence change affects an acceptor splice site in intron 9 of the PAH gene. It is expected to disrupt RNA splicing. Variants that disrupt the donor or acceptor splice site typically lead to a loss of protein function (PMID: 16199547), and loss-of-function variants in PAH are known to be pathogenic (PMID: 1301187, 9634518). This variant is not present in population databases (gnomAD no frequency). Disruption of this splice site has been observed in individual(s) with hyperphenylalaninemia (PMID: 7866411, 32668217). ClinVar contains an entry for this variant (Variation ID: 102918). Algorithms developed to predict the effect of sequence changes on RNA splicing suggest that this variant may disrupt the consensus splice site. For these reasons, this variant has been classified as Pathogenic.

DeBelle Laboratory for Biochemical Genetics, MUHC/MCH RESEARCH INSTITUTE
No classification provided. Review status: no classification provided. Collection method: not provided. Allele origin: not provided. Not counted in ClinVar's aggregate classification.

Literature cited by the submitters: PubMed 16199547 (cited by Labcorp Genetics (formerly Invitae), Labcorp); PubMed 1301187 (cited by Labcorp Genetics (formerly Invitae), Labcorp); PubMed 9634518 (cited by Labcorp Genetics (formerly Invitae), Labcorp); PubMed 7866411 (cited by Labcorp Genetics (formerly Invitae), Labcorp); PubMed 32668217 (cited by Labcorp Genetics (formerly Invitae), Labcorp).